The following is an entry in ClinVar:

NM_001018115.3(FANCD2):c.3962G>A (p.Arg1321Gln)

Genes: FANCD2 (FA complementation group D2; plus strand), FANCD2OS (FANCD2 opposite strand; minus strand). Cytogenetic location: 3p25.3.
Variant type: single nucleotide variant.
Coding change: c.3962G>A on transcript NM_001018115.3 (MANE Select); coding-DNA position 3962, G replaced by A.
Protein change: p.Arg1321Gln; replaces arginine 1321 with glutamine.
Molecular consequence: missense variant. On other transcripts: intron variant (1).
Genome position (GRCh38, 1-based): chr3:10,094,362, G>A. VCF-style: chr3-10094362-G-A. GRCh37 (hg19) VCF-style: chr3-10136046-G-A.
Other names: c.3962G>A, p.Arg1321Gln (NM_001319984.2, NM_033084.6); c.3851G>A, p.Arg1284Gln (NM_001374253.1); c.3923G>A, p.Arg1308Gln (NM_001374254.1); c.*43+9836C>T (NM_173472.2); short protein forms R1284Q, R1308Q, R1321Q.
Identifiers: ClinVar variation 1014325 (VCV001014325.46), dbSNP rs147205530, ClinGen allele CA2250576.

ClinVar aggregate classification (germline): Uncertain significance (1 of 4 stars; one submission).

Conditions:
Fanconi anemia (FA). Also called: Fanconi's anemia. Identifiers: Orphanet 84, MedGen C0015625, MeSH D005199, MONDO:0019391.

Allele frequency attached by ClinVar (database versions not stated): ESP Exome Variant Server 0.00008.
gnomAD v4.1: 48 of 1,612,508 alleles (0.003%); highest among the groups gnomAD compares: Non-Finnish European, 0.0038%; no homozygotes.

Submission:

Labcorp Genetics (formerly Invitae), Labcorp
Classification: Uncertain significance for Fanconi anemia. Last evaluated: 2024-08-21. Review status: criteria provided, single submitter. Criteria: Invitae Variant Classification Sherloc (09022015). Collection method: clinical testing. Allele origin: germline.
Comment: This sequence change replaces arginine, which is basic and polar, with glutamine, which is neutral and polar, at codon 1321 of the FANCD2 protein (p.Arg1321Gln). This variant is present in population databases (rs147205530, gnomAD 0.004%). This variant has not been reported in the literature in individuals affected with FANCD2-related conditions. ClinVar contains an entry for this variant (Variation ID: 1014325). An algorithm developed to predict the effect of missense changes on protein structure and function (PolyPhen-2) suggests that this variant is likely to be disruptive. In summary, the available evidence is currently insufficient to determine the role of this variant in disease. Therefore, it has been classified as a Variant of Uncertain Significance.